The following is an entry in ClinVar:

NM_001271.4(CHD2):c.1737G>C (p.Trp579Cys)

Gene: CHD2 (chromodomain helicase DNA binding protein 2; plus strand). Cytogenetic location: 15q26.1.
Variant type: single nucleotide variant.
Coding change: c.1737G>C on transcript NM_001271.4 (MANE Select); coding-DNA position 1737, G replaced by C.
Protein change: p.Trp579Cys; replaces tryptophan 579 with cysteine.
Molecular consequence: missense variant.
Genome position (GRCh38, 1-based): chr15:92,955,440, G>C. VCF-style: chr15-92955440-G-C. GRCh37 (hg19) VCF-style: chr15-93498670-G-C.
Other names: short protein forms W579C.
Identifiers: ClinVar variation 1521278 (VCV001521278.8), dbSNP rs2141814824, ClinGen allele CA393905541.

ClinVar aggregate classification (germline): Uncertain significance (1 of 4 stars; one submission).

Conditions:
Developmental and epileptic encephalopathy 94 (DEE94). Also called: Epileptic encephalopathy, childhood-onset; CHD2-Related Neurodevelopmental Disorders. Identifiers: Orphanet 1942, Orphanet 2382, MedGen C3809278, MONDO:0014150, OMIM 615369.

Submission:

Labcorp Genetics (formerly Invitae), Labcorp
Classification: Uncertain significance for Developmental and epileptic encephalopathy 94. Last evaluated: 2022-07-19. Review status: criteria provided, single submitter. Criteria: Invitae Variant Classification Sherloc (09022015). Collection method: clinical testing. Allele origin: germline.
Comment: This variant is not present in population databases (gnomAD no frequency). This sequence change replaces tryptophan, which is neutral and slightly polar, with cysteine, which is neutral and slightly polar, at codon 579 of the CHD2 protein (p.Trp579Cys). In summary, the available evidence is currently insufficient to determine the role of this variant in disease. Therefore, it has been classified as a Variant of Uncertain Significance. Algorithms developed to predict the effect of missense changes on protein structure and function (SIFT, PolyPhen-2, Align-GVGD) all suggest that this variant is likely to be disruptive. ClinVar contains an entry for this variant (Variation ID: 1521278). This variant has not been reported in the literature in individuals affected with CHD2-related conditions.